The following is an entry in ClinVar:

NM_001244008.2(KIF1A):c.1951C>A (p.Leu651Ile)

Gene: KIF1A (kinesin family member 1A; minus strand). Cytogenetic location: 2q37.3.
Variant type: single nucleotide variant.
Coding change: c.1951C>A on transcript NM_001244008.2 (MANE Select); coding-DNA position 1951, C replaced by A.
Protein change: p.Leu651Ile; replaces leucine 651 with isoleucine.
Molecular consequence: missense variant.
Genome position (GRCh38, 1-based): chr2:240,763,090, G>T on the plus strand (C>A on the coding strand, the complement: KIF1A is on the minus strand). VCF-style: chr2-240763090-G-T. GRCh37 (hg19) VCF-style: chr2-241702507-G-T.
Other names: c.1951C>A, p.Leu651Ile (NM_001320705.2, NM_001330289.2, NM_001379638.1); c.2026C>A, p.Leu676Ile (NM_001330290.2, NM_001379631.1, NM_001379634.1 and 2 more transcripts); c.1924C>A, p.Leu642Ile (NM_001379632.1, NM_001379633.1, NM_001379636.1 and 11 more transcripts); c.1999C>A, p.Leu667Ile (NM_001379637.1, NM_001379648.1); short protein forms L642I, L651I, L667I, L676I.
Identifiers: ClinVar variation 1783240 (VCV001783240.2), dbSNP rs2537666534, ClinGen allele CA351326763.

ClinVar aggregate classification (germline): Uncertain significance (1 of 4 stars; one submission).

Conditions:
Inborn genetic diseases. Identifiers: MedGen C0950123, MeSH D030342.

Submission:

Ambry Genetics
Classification: Uncertain significance for Inborn genetic diseases. Last evaluated: 2020-08-28. Review status: criteria provided, single submitter. Criteria: Ambry Variant Classification Scheme 2023. Collection method: clinical testing. Allele origin: germline.
Comment: The p.L651I variant (also known as c.1951C>A), located in coding exon 21 of the KIF1A gene, results from a C to A substitution at nucleotide position 1951. The leucine at codon 651 is replaced by isoleucine, an amino acid with highly similar properties. This amino acid position is highly conserved in available vertebrate species. In addition, this alteration is predicted to be tolerated by in silico analysis. Since supporting evidence is limited at this time, the clinical significance of this alteration remains unclear.